The following is an entry in ClinVar:

NM_005633.4(SOS1):c.2702T>C (p.Leu901Ser)

Gene: SOS1 (SOS Ras/Rac guanine nucleotide exchange factor 1; minus strand). Cytogenetic location: 2p22.1.
Variant type: single nucleotide variant.
Coding change: c.2702T>C on transcript NM_005633.4 (MANE Select); coding-DNA position 2702, T replaced by C.
Protein change: p.Leu901Ser; replaces leucine 901 with serine.
Molecular consequence: missense variant.
Genome position (GRCh38, 1-based): chr2:39,006,501, A>G on the plus strand (T>C on the coding strand, the complement: SOS1 is on the minus strand). VCF-style: chr2-39006501-A-G. GRCh37 (hg19) VCF-style: chr2-39233642-A-G.
Other names: c.2681T>C, p.Leu894Ser (NM_001382394.1); c.2702T>C, p.Leu901Ser (NM_001382395.1); short protein forms L901S, L894S.
Identifiers: ClinVar variation 1523851 (VCV001523851.6), dbSNP rs2124501920, ClinGen allele CA346363224.

ClinVar aggregate classification (germline): Uncertain significance (1 of 4 stars; one submission).

Conditions:
RASopathy. Also called: Noonan spectrum disorder; rasopathies. Identifiers: Orphanet 536391, MedGen C5555857, MONDO:0021060.

Submission:

Labcorp Genetics (formerly Invitae), Labcorp
Classification: Uncertain significance for RASopathy. Last evaluated: 2022-09-06. Review status: criteria provided, single submitter. Criteria: Invitae Variant Classification Sherloc (09022015). Collection method: clinical testing. Allele origin: germline.
Comment: This variant has not been reported in the literature in individuals affected with SOS1-related conditions. In summary, the available evidence is currently insufficient to determine the role of this variant in disease. Therefore, it has been classified as a Variant of Uncertain Significance. Advanced modeling of protein sequence and biophysical properties (such as structural, functional, and spatial information, amino acid conservation, physicochemical variation, residue mobility, and thermodynamic stability) performed at Invitae indicates that this missense variant is expected to disrupt SOS1 protein function. ClinVar contains an entry for this variant (Variation ID: 1523851). This variant is not present in population databases (gnomAD no frequency). This sequence change replaces leucine, which is neutral and non-polar, with serine, which is neutral and polar, at codon 901 of the SOS1 protein (p.Leu901Ser).